The following is an entry in ClinVar:

ClinVar aggregate classification (germline): Uncertain significance. Review status: criteria provided, single submitter (1 of 4 stars). 3 submissions from 3 submitters: Uncertain significance (1). 2 of the submissions do not count toward it.

Conditions:
Spermatogenic failure 10 (SPGF10). Also called: SPERMATOGENIC FAILURE WITH DEFECTIVE SPERM ANNULUS; SPERMATOGENIC FAILURE 10, SUSCEPTIBILITY TO. Identifiers: Orphanet 276234, MedGen C3553793, MONDO:0013901, OMIM 614822.

Allele frequency attached by ClinVar (database versions not stated): gnomAD 0.00004 and 0.00007; gnomAD exomes 0.00012 and 0.00004; 1000 Genomes Project 30x 0.00047; TOPMed 0.00005; 1000 Genomes Project 0.00040; ExAC 0.00012.
gnomAD v4.1: 62 of 1,613,664 alleles (0.0038%); highest among the groups gnomAD compares: East Asian, 0.031%; no homozygotes.

Submissions (3):

Juno Genomics, Hangzhou Juno Genomics, Inc
Classification: Uncertain significance for Spermatogenic failure 10. Review status: criteria provided, single submitter. Criteria: ACMG Guidelines, 2015. Collection method: clinical testing. Allele origin: germline. Affected: yes.
Comment: Absent from controls (or at extremely low frequency if recessive) in Genome Aggregation Database, Exome Sequencing Project, 1000 Genomes Project, or Exome Aggregation Consortium.;Multiple lines of computational evidence support a deleterious effect on the gene or gene product (conservation, evolutionary, splicing impact, etc).;The prevalence of the variant in affected individuals is significantly increased compared to the prevalence in controls.;Patient's phenotype or family history is highly specific for a disease with a single genetic etiology.

OMIM
Classification: risk factor for SPERMATOGENIC FAILURE 10, SUSCEPTIBILITY TO. Last evaluated: 2012-04-01. Review status: no assertion criteria provided. Collection method: literature only. Allele origin: germline. Not counted in ClinVar's aggregate classification.

Reproductive Endocrinology and immunology College of Medicine, National Cheng Kung University
No classification provided. Review status: no classification provided. Collection method: not provided. Allele origin: not provided. Not counted in ClinVar's aggregate classification.

Literature cited by the submitters: PubMed 22275165 (cited by OMIM).

NM_144605.5(SEPTIN12):c.266C>T (p.Thr89Met)

Gene: SEPTIN12 (septin 12; minus strand). Cytogenetic location: 16p13.3.
Variant type: single nucleotide variant.
Coding change: c.266C>T on transcript NM_144605.5 (MANE Select); coding-DNA position 266, C replaced by T.
Protein change: p.Thr89Met; replaces threonine 89 with methionine.
Molecular consequence: missense variant.
Genome position (GRCh38, 1-based): chr16:4,786,006, G>A on the plus strand (C>T on the coding strand, the complement: SEPTIN12 is on the minus strand). VCF-style: chr16-4786006-G-A. GRCh37 (hg19) VCF-style: chr16-4836007-G-A.
Other names: c.266C>T, p.Thr89Met (NM_001154458.3); short protein forms T89M.
Identifiers: ClinVar variation 37114 (VCV000037114.4), dbSNP rs199696526, ClinGen allele CA130082.